The following is an entry in ClinVar:

NM_001127178.3(PIGG):c.1627C>T (p.Pro543Ser)

Gene: PIGG (phosphatidylinositol glycan anchor biosynthesis class G (EMM blood group); plus strand). Cytogenetic location: 4p16.3.
Variant type: single nucleotide variant.
Coding change: c.1627C>T on transcript NM_001127178.3 (MANE Select); coding-DNA position 1627, C replaced by T.
Protein change: p.Pro543Ser; replaces proline 543 with serine.
Molecular consequence: missense variant. On other transcripts: non-coding transcript variant (7).
Genome position (GRCh38, 1-based): chr4:523,471, C>T. VCF-style: chr4-523471-C-T. GRCh37 (hg19) VCF-style: chr4-517260-C-T.
Other names: c.1360C>T, p.Pro454Ser (NM_001289051.2, NM_001345986.2); c.1228C>T, p.Pro410Ser (NM_001289052.2); c.1336C>T, p.Pro446Ser (NM_001345987.2); c.598C>T, p.Pro200Ser (NM_001345988.2); c.94C>T, p.Pro32Ser (NM_001345990.2, NM_001345991.2); c.529C>T, p.Pro177Ser (NM_001345994.2); c.1603C>T, p.Pro535Ser (NM_017733.5); c.1627C>T (NM_001127178.1); short protein forms P200S, P446S, P410S, P454S, P543S, P535S, P177S, P32S.
Identifiers: ClinVar variation 1485400 (VCV001485400.6), dbSNP rs781363662, ClinGen allele CA91066668.

ClinVar aggregate classification (germline): Conflicting classifications of pathogenicity. Review status: criteria provided, conflicting classifications (1 of 4 stars). 2 submissions from 2 submitters: Uncertain significance (1); Likely benign (1). Last evaluated 2024-04-08.

Conditions:
Inborn genetic diseases. Identifiers: MedGen C0950123, MeSH D030342.
Intellectual disability, autosomal recessive 53 (NEDHSCA). Also called: NEURODEVELOPMENTAL DISORDER WITH OR WITHOUT HYPOTONIA, SEIZURES, AND CEREBELLAR ATROPHY; GLYCOSYLPHOSPHATIDYLINOSITOL BIOSYNTHESIS DEFECT 13; Mental retardation, autosomal recessive 53. Identifiers: Orphanet 488635, MedGen C4310794, MONDO:0014832, OMIM 616917.

Allele frequency attached by ClinVar (database versions not stated): gnomAD 0.00002 and 0.00003; gnomAD exomes 0.00002 and 0.00005; TOPMed 0.00003.
gnomAD v4.1: 72 of 1,605,670 alleles (0.0045%); highest among the groups gnomAD compares: South Asian, 0.011%; no homozygotes.

Submissions (2):

Ambry Genetics
Classification: Likely benign for Inborn genetic diseases. Last evaluated: 2024-04-08. Review status: criteria provided, single submitter. Criteria: Ambry Variant Classification Scheme 2023. Collection method: clinical testing. Allele origin: germline.

Labcorp Genetics (formerly Invitae), Labcorp
Classification: Uncertain significance for Intellectual disability, autosomal recessive 53. Last evaluated: 2022-11-01. Review status: criteria provided, single submitter. Criteria: Invitae Variant Classification Sherloc (09022015). Collection method: clinical testing. Allele origin: germline.
Comment: This sequence change replaces proline, which is neutral and non-polar, with serine, which is neutral and polar, at codon 543 of the PIGG protein (p.Pro543Ser). This variant is present in population databases (rs781363662, gnomAD 0.02%). This variant has not been reported in the literature in individuals affected with PIGG-related conditions. ClinVar contains an entry for this variant (Variation ID: 1485400). Advanced modeling of protein sequence and biophysical properties (such as structural, functional, and spatial information, amino acid conservation, physicochemical variation, residue mobility, and thermodynamic stability) performed at Invitae indicates that this missense variant is not expected to disrupt PIGG protein function. In summary, the available evidence is currently insufficient to determine the role of this variant in disease. Therefore, it has been classified as a Variant of Uncertain Significance.